The following is an entry in ClinVar:

ClinVar aggregate classification (germline): Uncertain significance (1 of 4 stars; one submission).

Conditions:
Polycystic kidney disease 4 (PKD4). Also called: POLYCYSTIC KIDNEY DISEASE 4 WITH OR WITHOUT POLYCYSTIC LIVER DISEASE; POLYCYSTIC KIDNEY AND HEPATIC DISEASE 1; POLYCYSTIC KIDNEY DISEASE, INFANTILE, TYPE I; PKD3; Autosomal Recessive Polycystic Kidney Disease – PKHD1. Identifiers: MedGen C4540575, MONDO:0033004, OMIM 263200.

Allele frequency attached by ClinVar (database versions not stated): gnomAD exomes below 0.00001.
gnomAD v4.1: 1 of 1,613,936 alleles (0.000062%); highest among the groups gnomAD compares: Non-Finnish European, 0.000085%; no homozygotes.

Submission:

MGZ Medical Genetics Center
Classification: Uncertain significance for Polycystic kidney disease 4. Last evaluated: 2022-09-01. Review status: criteria provided, single submitter. Criteria: ACMG Guidelines, 2015. Collection method: clinical testing. Allele origin: germline. Affected: yes. Observed: 1 variant allele.
Comment: ACMG criteria applied: PM2_SUP, BP4

NM_138694.4(PKHD1):c.3192C>A (p.Ser1064Arg)

Gene: PKHD1 (PKHD1 ciliary IPT domain containing fibrocystin/polyductin; minus strand). Cytogenetic location: 6p12.2.
Variant type: single nucleotide variant.
Coding change: c.3192C>A on transcript NM_138694.4 (MANE Select); coding-DNA position 3192, C replaced by A.
Protein change: p.Ser1064Arg; replaces serine 1064 with arginine.
Molecular consequence: missense variant.
Genome position (GRCh38, 1-based): chr6:52,035,627, G>T on the plus strand (C>A on the coding strand, the complement: PKHD1 is on the minus strand). VCF-style: chr6-52035627-G-T. GRCh37 (hg19) VCF-style: chr6-51900425-G-T.
Other names: c.3192C>A, p.Ser1064Arg (NM_170724.3); short protein forms S1064R.
Identifiers: ClinVar variation 1709790 (VCV001709790.2), dbSNP rs1240655080, ClinGen allele CA364441701.